The following is an entry in ClinVar:

ClinVar aggregate classification (germline): Conflicting classifications of pathogenicity. Review status: criteria provided, conflicting classifications (1 of 4 stars). 3 submissions from 3 submitters: Uncertain significance (1); Likely benign (1). 1 of the submissions does not count toward it. Last evaluated 2023-09-29.

Conditions:
ASXL3-related disorder. Also called: ASXL3-related condition. Identifiers: MedGen CN381524.
Inborn genetic diseases. Identifiers: MedGen C0950123, MeSH D030342.

Allele frequency attached by ClinVar (database versions not stated): TOPMed 0.00004; gnomAD 0.00005; ESP Exome Variant Server 0.00008.
gnomAD v4.1: 134 of 1,613,652 alleles (0.0083%); highest among the groups gnomAD compares: Middle Eastern, 0.016%; no homozygotes.

Submissions (3):

Ambry Genetics
Classification: Likely benign for Inborn genetic diseases. Last evaluated: 2023-09-29. Review status: criteria provided, single submitter. Criteria: Ambry Variant Classification Scheme 2023. Collection method: clinical testing. Allele origin: germline.

CeGaT Center for Human Genetics Tuebingen
Classification: Uncertain significance. Last evaluated: 2022-07-01. Review status: criteria provided, single submitter. Criteria: CeGaT Center For Human Genetics Tuebingen Variant Classification Criteria Version 2. Collection method: clinical testing. Allele origin: germline. Affected: yes. Observed: 1 variant allele.

PreventionGenetics, part of Exact Sciences
Classification: Likely benign for ASXL3-related condition. Last evaluated: 2024-09-09. Review status: no assertion criteria provided. Collection method: clinical testing. Allele origin: germline. Not counted in ClinVar's aggregate classification.
Comment: This variant is classified as likely benign based on ACMG/AMP sequence variant interpretation guidelines (Richards et al. 2015 PMID: 25741868, with internal and published modifications).

NM_030632.3(ASXL3):c.6298C>G (p.Gln2100Glu)

Gene: ASXL3 (ASXL transcriptional regulator 3; plus strand). Cytogenetic location: 18q12.1.
Variant type: single nucleotide variant.
Coding change: c.6298C>G on transcript NM_030632.3 (MANE Select); coding-DNA position 6298, C replaced by G.
Protein change: p.Gln2100Glu; replaces glutamine 2100 with glutamic acid.
Molecular consequence: missense variant.
Genome position (GRCh38, 1-based): chr18:33,746,146, C>G. VCF-style: chr18-33746146-C-G. GRCh37 (hg19) VCF-style: chr18-31326110-C-G.
Other names: c.6298C>G (NM_030632.2, NM_030632.1); short protein forms Q2100E.
Identifiers: ClinVar variation 2648667 (VCV002648667.25), dbSNP rs368040011, ClinGen allele CA8934616.